The following is an entry in ClinVar:

ClinVar aggregate classification (germline): Uncertain significance (1 of 4 stars; one submission).

Conditions:
Gastrointestinal stromal tumor. Also called: Gastrointestinal stromal tumor, somatic; Gastrointestinal stroma tumor. Identifiers: Orphanet 44890, MedGen C0238198, MeSH D046152, MONDO:0011719, OMIM 606764, HP:0100723.

Submission:

Labcorp Genetics (formerly Invitae), Labcorp
Classification: Uncertain significance for Gastrointestinal stromal tumor. Last evaluated: 2023-08-01. Review status: criteria provided, single submitter. Criteria: Invitae Variant Classification Sherloc (09022015). Collection method: clinical testing. Allele origin: germline.
Comment: In summary, the available evidence is currently insufficient to determine the role of this variant in disease. Therefore, it has been classified as a Variant of Uncertain Significance. Variants that disrupt the consensus splice site are a relatively common cause of aberrant splicing (PMID: 17576681, 9536098). Algorithms developed to predict the effect of sequence changes on RNA splicing suggest that this variant is not likely to affect RNA splicing. ClinVar contains an entry for this variant (Variation ID: 581726). This variant has not been reported in the literature in individuals affected with PDGFRA-related conditions. This variant is not present in population databases (gnomAD no frequency). This sequence change falls in intron 9 of the PDGFRA gene. It does not directly change the encoded amino acid sequence of the PDGFRA protein. It affects a nucleotide within the consensus splice site.

Literature cited by the submitters: PubMed 17576681; PubMed 9536098.

NM_006206.6(PDGFRA):c.1364+6G>A

Gene: PDGFRA (platelet derived growth factor receptor alpha; plus strand). Cytogenetic location: 4q12.
Variant type: single nucleotide variant.
Coding change: c.1364+6G>A on transcript NM_006206.6 (MANE Select); 6 bases into the intron after coding-DNA position 1364, G replaced by A.
Molecular consequence: intron variant.
Genome position (GRCh38, 1-based): chr4:54,272,526, G>A. VCF-style: chr4-54272526-G-A. GRCh37 (hg19) VCF-style: chr4-55138693-G-A.
Other names: c.1439+6G>A (NM_001347828.2); c.1364+6G>A (NM_001347827.2, NM_001347829.2); c.1403+6G>A (NM_001347830.2).
Identifiers: ClinVar variation 581726 (VCV000581726.9), dbSNP rs368934617, ClinGen allele CA439286963.